The following is an entry in ClinVar:

NM_152327.5(AK7):c.639_640insA (p.Ala214fs)

Gene: AK7 (adenylate kinase 7; plus strand). Cytogenetic location: 14q32.2.
Variant type: Insertion.
Coding change: c.639_640insA on transcript NM_152327.5 (MANE Select); coding-DNA positions 639 to 640, A inserted.
Protein change: p.Ala214fs; shifts the reading frame from alanine 214.
Molecular consequence: frameshift variant.
Genome position: GRCh38 VCF-style: chr14-96437864-T-TA. GRCh37 (hg19) VCF-style: chr14-96904201-T-TA.
Other names: c.639_640insA, p.Ala214fs (NM_001350888.2, NM_001350890.2, NM_001350891.2 and 1 more transcripts); c.639_640insA (NM_152327.3); short protein forms A214fs.
Identifiers: ClinVar variation 2024667 (VCV002024667.5), dbSNP rs2504466985, ClinGen allele CA2580089153.

ClinVar aggregate classification (germline): Uncertain significance. Review status: criteria provided, multiple submitters, no conflicts (2 of 4 stars). 2 submissions from 2 submitters: Uncertain significance (2). Last evaluated 2024-07-24.

Submissions (2):

GeneDx
Classification: Uncertain significance. Last evaluated: 2024-07-24. Review status: criteria provided, single submitter. Criteria: GeneDx Variant Classification Process June 2021. Collection method: clinical testing. Allele origin: germline. Affected: yes.
Comment: Not observed at significant frequency in large population cohorts (gnomAD); Frameshift variant predicted to result in protein truncation or nonsense mediated decay in a gene for which loss-of-function is not an established mechanism of disease; Has not been previously published as pathogenic or benign to our knowledge; Variants in candidate genes are classified as variants of uncertain significance in accordance with ACMG guidelines (PMID: 25741868)

Labcorp Genetics (formerly Invitae), Labcorp
Classification: Uncertain significance. Last evaluated: 2022-08-19. Review status: criteria provided, single submitter. Criteria: Invitae Variant Classification Sherloc (09022015). Collection method: clinical testing. Allele origin: germline.
Comment: This variant is not present in population databases (gnomAD no frequency). In summary, the available evidence is currently insufficient to determine the role of this variant in disease. Therefore, it has been classified as a Variant of Uncertain Significance. This variant has not been reported in the literature in individuals affected with AK7-related conditions. This sequence change creates a premature translational stop signal (p.Ala214Serfs*17) in the AK7 gene. It is expected to result in an absent or disrupted protein product. However, the current clinical and genetic evidence is not sufficient to establish whether loss-of-function variants in AK7 cause disease.